The following is an entry in ClinVar:

ClinVar aggregate classification (germline): Uncertain significance (1 of 4 stars; one submission).

Submission:

Dasa
Classification: Uncertain significance. Last evaluated: 2024-11-27. Review status: criteria provided, single submitter. Criteria: DASA Assertion Criteria. Collection method: clinical testing. Allele origin: germline.
Comment: NM_001148.6(ANK2):c.3980T>A (p.Met1327Lys) is a missense variant that results in the substitution of methionine with lysine. This variant is absent from population databases. The currently available literature and clinical evidence are not sufficient to establish a definitive association between this variant and the reported condition. Therefore, this variant is classified as a variant of uncertain significance.

NM_001148.6(ANK2):c.3980T>A (p.Met1327Lys)

Gene: ANK2 (ankyrin 2; plus strand). Cytogenetic location: 4q26.
Variant type: single nucleotide variant.
Coding change: c.3980T>A on transcript NM_001148.6 (MANE Select); coding-DNA position 3980, T replaced by A.
Protein change: p.Met1327Lys; replaces methionine 1327 with lysine.
Molecular consequence: missense variant.
Genome position (GRCh38, 1-based): chr4:113,341,774, T>A. VCF-style: chr4-113341774-T-A. GRCh37 (hg19) VCF-style: chr4-114262930-T-A.
Other names: c.3953T>A, p.Met1318Lys (NM_001127493.3); c.3992T>A, p.Met1331Lys (NM_001354225.2); c.3881T>A, p.Met1294Lys (NM_001354228.2, NM_001354258.2); c.3959T>A, p.Met1320Lys (NM_001354230.2); c.4022T>A, p.Met1341Lys (NM_001354231.2, NM_001354242.2); c.4016T>A, p.Met1339Lys (NM_001354232.2); c.3977T>A, p.Met1326Lys (NM_001354235.2, NM_001354246.2, NM_001354265.2); c.3878T>A, p.Met1293Lys (NM_001354236.2); and 31 more; short protein forms M1166K, M1199K, M1227K, M1232K, M1240K, M1252K, M1256K, M1260K.
Identifiers: ClinVar variation 4886672 (VCV004886672.2).
Genomic context (GRCh38, chr4:113,341,774, plus strand): 5'-TCCAGGAATCCGTTACTTTTGCATCACAAGTATACAGAGAAATTATCTGCGTACCTTATA[T>A]GGCCAAATTTGTAGTGTTTGCCAAATCACATGACCCCATTGAAGCCAGGTTGAGGTGTTT-3'
Protein context (NP_001139.3, residues 1317-1337): VYREIICVPY[Met1327Lys]AKFVVFAKSH